The following is an entry in ClinVar:

ClinVar aggregate classification (germline): Uncertain significance (1 of 4 stars; one submission).

Conditions:
Hereditary cancer-predisposing syndrome. Also called: Neoplastic Syndromes, Hereditary; Tumor predisposition; Hereditary neoplastic syndrome; Hereditary Cancer Syndrome. Identifiers: Orphanet 140162, MedGen C0027672, MeSH D009386, MONDO:0015356.

Submission:

Ambry Genetics
Classification: Uncertain significance for Hereditary cancer-predisposing syndrome. Last evaluated: 2026-06-23. Review status: criteria provided, single submitter. Criteria: Ambry Variant Classification Scheme 2023. Collection method: clinical testing. Allele origin: germline.
Comment: The p.S1447G variant (also known as c.4339A>G), located in coding exon 28 of the ATM gene, results from an A to G substitution at nucleotide position 4339. The serine at codon 1447 is replaced by glycine, an amino acid with similar properties. This amino acid position is not well conserved in available vertebrate species. In addition, this alteration is predicted to be tolerated by in silico analysis. Based on the available evidence, the clinical significance of this variant remains unclear.

NM_000051.4(ATM):c.4339A>G (p.Ser1447Gly)

Gene: ATM (ATM serine/threonine kinase; plus strand). Cytogenetic location: 11q22.3.
Variant type: single nucleotide variant.
Coding change: c.4339A>G on transcript NM_000051.4 (MANE Select); coding-DNA position 4339, A replaced by G.
Protein change: p.Ser1447Gly; replaces serine 1447 with glycine.
Molecular consequence: missense variant.
Genome position (GRCh38, 1-based): chr11:108,289,704, A>G. VCF-style: chr11-108289704-A-G. GRCh37 (hg19) VCF-style: chr11-108160431-A-G.
Other names: c.4339A>G, p.Ser1447Gly (NM_001351834.2); short protein forms S1447G.
Identifiers: ClinVar variation 5030899 (VCV005030899.1).